The following is an entry in ClinVar:

NM_000089.4(COL1A2):c.2133+4A>C

Gene: COL1A2 (collagen type I alpha 2 chain; plus strand). Cytogenetic location: 7q21.3.
Variant type: single nucleotide variant.
Coding change: c.2133+4A>C on transcript NM_000089.4 (MANE Select); 4 bases into the intron after coding-DNA position 2133, A replaced by C.
Molecular consequence: intron variant.
Genome position (GRCh38, 1-based): chr7:94,420,290, A>C. VCF-style: chr7-94420290-A-C. GRCh37 (hg19) VCF-style: chr7-94049602-A-C.
Identifiers: ClinVar variation 2443391 (VCV002443391.2), dbSNP rs2484725266, ClinGen allele CA2580077884.

ClinVar aggregate classification (germline): Uncertain significance (1 of 4 stars; one submission).

Submission:

GeneDx
Classification: Uncertain significance. Last evaluated: 2024-06-25. Review status: criteria provided, single submitter. Criteria: GeneDx Variant Classification Process June 2021. Collection method: clinical testing. Allele origin: germline. Affected: yes.
Comment: Not observed at significant frequency in large population cohorts (gnomAD); In silico analysis indicates that this variant does not alter splicing; Has not been previously published as pathogenic or benign to our knowledge